The following is an entry in ClinVar:

ClinVar aggregate classification (germline): Uncertain significance. Review status: criteria provided, multiple submitters, no conflicts (2 of 4 stars). 2 submissions from 2 submitters: Uncertain significance (2). Last evaluated 2025-03-22.

Conditions:
Inborn genetic diseases. Identifiers: MedGen C0950123, MeSH D030342.

Allele frequency attached by ClinVar (database versions not stated): ExAC 0.00004; 1000 Genomes Project 30x 0.00047; gnomAD exomes 0.00004 and 0.00002; 1000 Genomes Project 0.00040; ESP Exome Variant Server 0.00008.
gnomAD v4.1: 56 of 1,613,804 alleles (0.0035%); highest among the groups gnomAD compares: African/African-American, 0.068%; no homozygotes.

Submissions (2):

Ambry Genetics
Classification: Uncertain significance for Inborn genetic diseases. Last evaluated: 2025-03-22. Review status: criteria provided, single submitter. Criteria: Ambry Variant Classification Scheme 2023. Collection method: clinical testing. Allele origin: germline.

Labcorp Genetics (formerly Invitae), Labcorp
Classification: Uncertain significance. Last evaluated: 2024-11-11. Review status: criteria provided, single submitter. Criteria: Invitae Variant Classification Sherloc (09022015). Collection method: clinical testing. Allele origin: germline.
Comment: This sequence change replaces threonine, which is neutral and polar, with isoleucine, which is neutral and non-polar, at codon 593 of the GPR179 protein (p.Thr593Ile). This variant is present in population databases (rs200222899, gnomAD 0.05%). This variant has not been reported in the literature in individuals affected with GPR179-related conditions. ClinVar contains an entry for this variant (Variation ID: 1351304). An algorithm developed to predict the effect of missense changes on protein structure and function (PolyPhen-2) suggests that this variant¬†is likely to be tolerated. In summary, the available evidence is currently insufficient to determine the role of this variant in disease. Therefore, it has been classified as a Variant of Uncertain Significance.

NM_001004334.4(GPR179):c.1778C>T (p.Thr593Ile)

Gene: GPR179 (G protein-coupled receptor 179; minus strand). Cytogenetic location: 17q12.
Variant type: single nucleotide variant.
Coding change: c.1778C>T on transcript NM_001004334.4 (MANE Select); coding-DNA position 1778, C replaced by T.
Protein change: p.Thr593Ile; replaces threonine 593 with isoleucine.
Molecular consequence: missense variant.
Genome position (GRCh38, 1-based): chr17:38,334,710, G>A on the plus strand (C>T on the coding strand, the complement: GPR179 is on the minus strand). VCF-style: chr17-38334710-G-A. GRCh37 (hg19) VCF-style: chr17-36490593-G-A.
Other names: c.1778C>T (NM_001004334.2); short protein forms T593I.
Identifiers: ClinVar variation 1351304 (VCV001351304.5), dbSNP rs200222899, ClinGen allele CA290108433.
Genomic context (GRCh38, chr17:38,334,710, plus strand): 5'-GTGAGGAGTACTGTTAGAGTGGAAGGGGGTGTGGGGAGGTGAGTCCGTCCTCACCTGGCT[G>A]TGTGGAAGGCAGCGGAAAGCAGTAGCTCATTGTGCAGGGCGATGCCCATGTAGCGTGGCT-3'
Protein context (NP_001004334.3, residues 583-603): NELLLSAAFH[Thr593Ile]ARFVLVPSLH